The following is an entry in ClinVar:

NM_001379451.1(BCORL1):c.5051A>C (p.Asn1684Thr)

Gene: BCORL1 (BCL6 corepressor like 1; plus strand). Cytogenetic location: Xq26.1.
Variant type: single nucleotide variant.
Coding change: c.5051A>C on transcript NM_001379451.1 (MANE Select); coding-DNA position 5051, A replaced by C.
Protein change: p.Asn1684Thr; replaces asparagine 1684 with threonine.
Molecular consequence: missense variant.
Genome position (GRCh38, 1-based): chrX:130,051,992, A>C. VCF-style: chrX-130051992-A-C. GRCh37 (hg19) VCF-style: chrX-129185967-A-C.
Other names: c.5051A>C, p.Asn1684Thr (NM_001184772.3, NM_001379450.1); c.4829A>C, p.Asn1610Thr (NM_021946.5); short protein forms N1610T, N1684T.
Identifiers: ClinVar variation 2579598 (VCV002579598.1), dbSNP rs138499651, ClinGen allele CA10514794.

ClinVar aggregate classification (germline): Uncertain significance (1 of 4 stars; one submission).

Allele frequency attached by ClinVar (database versions not stated): ExAC 0.00001; gnomAD exomes 0.00001; gnomAD 0.00002; TOPMed 0.00002; ESP Exome Variant Server 0.00009.
gnomAD v4.1: 7 of 1,199,044 alleles (0.00058%); highest among the groups gnomAD compares: Admixed American, 0.0022%; no homozygotes.

Submission:

GeneDx
Classification: Uncertain significance. Last evaluated: 2023-03-08. Review status: criteria provided, single submitter. Criteria: GeneDx Variant Classification Process June 2021. Collection method: clinical testing. Allele origin: germline. Affected: yes.
Comment: Not observed at significant frequency in large population cohorts (gnomAD); In silico analysis supports that this missense variant has a deleterious effect on protein structure/function; Has not been previously published as pathogenic or benign to our knowledge